The following is an entry in ClinVar:

ClinVar aggregate classification (germline): Uncertain significance (1 of 4 stars; one submission).

Conditions:
STT3B-congenital disorder of glycosylation. Also called: CDG Ix; STT3B-CDG; Congenital disorder of glycosylation type 1x. Identifiers: Orphanet 370924, MedGen C2931007, MONDO:0014271, OMIM 615597.

Allele frequency attached by ClinVar (database versions not stated): gnomAD exomes below 0.00001; TOPMed below 0.00001.
gnomAD v4.1: 2 of 1,614,010 alleles (0.00012%); highest among the groups gnomAD compares: African/African-American, 0.0013%; no homozygotes.

Submission:

Labcorp Genetics (formerly Invitae), Labcorp
Classification: Uncertain significance for STT3B-congenital disorder of glycosylation. Last evaluated: 2022-12-18. Review status: criteria provided, single submitter. Criteria: Invitae Variant Classification Sherloc (09022015). Collection method: clinical testing. Allele origin: germline.
Comment: This sequence change replaces isoleucine, which is neutral and non-polar, with valine, which is neutral and non-polar, at codon 538 of the STT3B protein (p.Ile538Val). This variant is present in population databases (no rsID available, gnomAD 0.007%). This variant has not been reported in the literature in individuals affected with STT3B-related conditions. Advanced modeling of protein sequence and biophysical properties (such as structural, functional, and spatial information, amino acid conservation, physicochemical variation, residue mobility, and thermodynamic stability) performed at Invitae indicates that this missense variant is not expected to disrupt STT3B protein function. In summary, the available evidence is currently insufficient to determine the role of this variant in disease. Therefore, it has been classified as a Variant of Uncertain Significance.

NM_178862.3(STT3B):c.1612A>G (p.Ile538Val)

Gene: STT3B (STT3 oligosaccharyltransferase complex catalytic subunit B; plus strand). Cytogenetic location: 3p23.
Variant type: single nucleotide variant.
Coding change: c.1612A>G on transcript NM_178862.3 (MANE Select); coding-DNA position 1612, A replaced by G.
Protein change: p.Ile538Val; replaces isoleucine 538 with valine.
Molecular consequence: missense variant.
Genome position (GRCh38, 1-based): chr3:31,623,746, A>G. VCF-style: chr3-31623746-A-G. GRCh37 (hg19) VCF-style: chr3-31665238-A-G.
Other names: short protein forms I538V.
Identifiers: ClinVar variation 2789047 (VCV002789047.3), dbSNP rs1005310805, ClinGen allele CA72517325.